The following is an entry in ClinVar:

NM_206933.4(USH2A):c.14662A>T (p.Thr4888Ser)

Gene: USH2A (usherin; minus strand). Cytogenetic location: 1q41.
Variant type: single nucleotide variant.
Coding change: c.14662A>T on transcript NM_206933.4 (MANE Select); coding-DNA position 14662, A replaced by T.
Protein change: p.Thr4888Ser; replaces threonine 4888 with serine.
Molecular consequence: missense variant.
Genome position (GRCh38, 1-based): chr1:215,647,651, T>A on the plus strand (A>T on the coding strand, the complement: USH2A is on the minus strand). VCF-style: chr1-215647651-T-A. GRCh37 (hg19) VCF-style: chr1-215820993-T-A.
Other names: short protein forms T4888S.
Identifiers: ClinVar variation 179565 (VCV000179565.31), dbSNP rs200993435, ClinGen allele CA184675.

ClinVar aggregate classification (germline): Benign. Review status: criteria provided, multiple submitters, no conflicts (2 of 4 stars). 6 submissions from 5 submitters: Benign (6). Last evaluated 2026-08-01.

Conditions:
Retinitis pigmentosa 39 (RP39). Identifiers: Orphanet 791, MedGen C3151138, MONDO:0013436, OMIM 613809.
Usher syndrome type 2A. Also called: RETINAL DISEASE IN USHER SYNDROME TYPE IIA, MODIFIER OF; USHER SYNDROME, TYPE IIA. Identifiers: Orphanet 231178, Orphanet 886, MedGen C1848634, MONDO:0010169, OMIM 276901.

Allele frequency attached by ClinVar (database versions not stated): gnomAD 0.00004 and 0.00044; TOPMed 0.00006; ExAC 0.00189; 1000 Genomes Project 30x 0.00312; 1000 Genomes Project 0.00339.
gnomAD v4.1: 1,235 of 1,614,182 alleles (0.077%); highest among the groups gnomAD compares: South Asian, 1.3%; 23 homozygotes.

Submissions (6):

CeGaT Center for Human Genetics Tuebingen
Classification: Benign. Last evaluated: 2026-08-01. Review status: criteria provided, single submitter. Criteria: CeGaT Center For Human Genetics Tuebingen Variant Classification Criteria Version 2. Collection method: clinical testing. Allele origin: germline. Affected: yes. Observed: 3 variant alleles.
Comment: USH2A: BP4, BS1, BS2

Labcorp Genetics (formerly Invitae), Labcorp
Classification: Benign. Last evaluated: 2026-01-28. Review status: criteria provided, single submitter. Criteria: Invitae Variant Classification Sherloc (09022015). Collection method: clinical testing. Allele origin: germline.

Genome-Nilou Lab
Classification: Benign for Retinitis pigmentosa 39. Last evaluated: 2023-11-04. Review status: criteria provided, single submitter. Criteria: ACMG Guidelines, 2015. Collection method: clinical testing. Allele origin: germline. Affected: no.

Genome-Nilou Lab
Classification: Benign for Usher syndrome type 2A. Last evaluated: 2023-11-04. Review status: criteria provided, single submitter. Criteria: ACMG Guidelines, 2015. Collection method: clinical testing. Allele origin: germline. Affected: no.

GeneDx
Classification: Benign. Last evaluated: 2019-04-08. Review status: criteria provided, single submitter. Criteria: GeneDx Variant Classification Process June 2021. Collection method: clinical testing. Allele origin: germline. Affected: yes.

Laboratory for Molecular Medicine, Mass General Brigham Personalized Medicine
Classification: Benign. Last evaluated: 2016-06-21. Review status: criteria provided, single submitter. Criteria: LMM Criteria. Collection method: clinical testing. Allele origin: germline. Observed: 2 variant alleles.
Comment: p.Thr4888Ser in Exon 67 of USH2A: This variant is not expected to have clinical significance because it has been identified in 1.3% (218/16510) of South Asian chromosomes by the Exome Aggregation Consortium (ExAC; dbSNP rs200993435).